The following is an entry in ClinVar:

NM_198253.3(TERT):c.1067G>C (p.Gly356Ala)

Gene: TERT (telomerase reverse transcriptase; minus strand). Cytogenetic location: 5p15.33.
Variant type: single nucleotide variant.
Coding change: c.1067G>C on transcript NM_198253.3 (MANE Select); coding-DNA position 1067, G replaced by C.
Protein change: p.Gly356Ala; replaces glycine 356 with alanine.
Molecular consequence: missense variant. On other transcripts: non-coding transcript variant (2).
Genome position (GRCh38, 1-based): chr5:1,293,819, C>G on the plus strand (G>C on the coding strand, the complement: TERT is on the minus strand). VCF-style: chr5-1293819-C-G. GRCh37 (hg19) VCF-style: chr5-1293934-C-G.
Other names: c.1067G>C, p.Gly356Ala (NM_001193376.3); short protein forms G356A.
Identifiers: ClinVar variation 1419635 (VCV001419635.8), dbSNP rs1307031795, ClinGen allele CA359055725.

ClinVar aggregate classification (germline): Uncertain significance. Review status: criteria provided, multiple submitters, no conflicts (2 of 4 stars). 2 submissions from 2 submitters: Uncertain significance (2). Last evaluated 2025-12-20.

Conditions:
Dyskeratosis congenita, autosomal dominant 2. Identifiers: MedGen C3151443, MONDO:0013521, OMIM 613989.
Idiopathic Pulmonary Fibrosis. Also called: Idiopathic fibrosing alveolitis, chronic form; idiopathic fibrosing alveolitis. Identifiers: Orphanet 2032, MedGen C1800706, MeSH D054990, MONDO:0800504.
Dyskeratosis congenita. Identifiers: Orphanet 1775, MedGen C0265965, MONDO:0015780.

Allele frequency attached by ClinVar (database versions not stated): gnomAD exomes below 0.00001.
gnomAD v4.1: 2 of 1,550,310 alleles (0.00013%); highest among the groups gnomAD compares: Admixed American, 0.0039%; no homozygotes.

Submissions (2):

Labcorp Genetics (formerly Invitae), Labcorp
Classification: Uncertain significance for Dyskeratosis congenita, autosomal dominant 2; Idiopathic Pulmonary Fibrosis. Last evaluated: 2025-12-20. Review status: criteria provided, single submitter. Criteria: Invitae Variant Classification Sherloc (09022015). Collection method: clinical testing. Allele origin: germline.
Comment: This sequence change replaces glycine, which is neutral and non-polar, with alanine, which is neutral and non-polar, at codon 356 of the TERT protein (p.Gly356Ala). This variant is present in population databases (no rsID available, gnomAD 0.004%). This variant has not been reported in the literature in individuals affected with TERT-related conditions. ClinVar contains an entry for this variant (Variation ID: 1419635). Invitae Evidence Modeling of protein sequence and biophysical properties (such as structural, functional, and spatial information, amino acid conservation, physicochemical variation, residue mobility, and thermodynamic stability) indicates that this missense variant is expected to disrupt TERT protein function with a positive predictive value of 95%. In summary, the available evidence is currently insufficient to determine the role of this variant in disease. Therefore, it has been classified as a Variant of Uncertain Significance.

Ambry Genetics
Classification: Uncertain significance for Dyskeratosis congenita. Last evaluated: 2022-10-27. Review status: criteria provided, single submitter. Criteria: Ambry Variant Classification Scheme 2023. Collection method: clinical testing. Allele origin: germline.
Comment: The p.G356A variant (also known as c.1067G>C), located in coding exon 2 of the TERT gene, results from a G to C substitution at nucleotide position 1067. The glycine at codon 356 is replaced by alanine, an amino acid with similar properties. This amino acid position is conserved. In addition, the in silico prediction for this alteration is inconclusive. Since supporting evidence is limited at this time, the clinical significance of this alteration remains unclear.